The following is an entry in ClinVar:

NM_000030.3(AGXT):c.70C>A (p.Leu24Ile)

Gene: AGXT (alanine--glyoxylate aminotransferase; plus strand). Cytogenetic location: 2q37.3.
Variant type: single nucleotide variant.
Coding change: c.70C>A on transcript NM_000030.3 (MANE Select); coding-DNA position 70, C replaced by A.
Protein change: p.Leu24Ile; replaces leucine 24 with isoleucine.
Molecular consequence: missense variant.
Genome position (GRCh38, 1-based): chr2:240,868,935, C>A. VCF-style: chr2-240868935-C-A. GRCh37 (hg19) VCF-style: chr2-241808352-C-A.
Other names: short protein forms L24I.
Identifiers: ClinVar variation 957713 (VCV000957713.9), dbSNP rs754037121, ClinGen allele CA2208974.

ClinVar aggregate classification (germline): Uncertain significance. Review status: criteria provided, multiple submitters, no conflicts (2 of 4 stars). 3 submissions from 3 submitters: Uncertain significance (2). 1 of the submissions does not count toward it. Last evaluated 2021-11-13.

Conditions:
Primary hyperoxaluria, type I (HP1). Also called: OXALOSIS I; Primary hyperoxaluria type 1; GLYCOLIC ACIDURIA; HEPATIC AGT DEFICIENCY. Identifiers: Orphanet 416, Orphanet 93598, MedGen C0268164, MONDO:0009823, OMIM 259900. Disease mechanism: loss of function.

Allele frequency attached by ClinVar (database versions not stated): gnomAD 0.00001; ExAC 0.00002; TOPMed 0.00002; gnomAD exomes 0.00003.
gnomAD v4.1: 31 of 1,613,220 alleles (0.0019%); highest among the groups gnomAD compares: Non-Finnish European, 0.0026%; no homozygotes.

Submissions (3):

Fulgent Genetics
Classification: Uncertain significance for Primary hyperoxaluria, type I. Last evaluated: 2021-11-13. Review status: criteria provided, single submitter. Criteria: ACMG Guidelines, 2015. Collection method: clinical testing. Allele origin: unknown.

Labcorp Genetics (formerly Invitae), Labcorp
Classification: Uncertain significance. Last evaluated: 2021-08-27. Review status: criteria provided, single submitter. Criteria: Invitae Variant Classification Sherloc (09022015). Collection method: clinical testing. Allele origin: germline.
Comment: This sequence change replaces leucine with isoleucine at codon 24 of the AGXT protein (p.Leu24Ile). The leucine residue is moderately conserved and there is a small physicochemical difference between leucine and isoleucine. This variant is present in population databases (rs754037121, ExAC 0.003%). This variant has not been reported in the literature in individuals affected with AGXT-related conditions. ClinVar contains an entry for this variant (Variation ID: 957713). Algorithms developed to predict the effect of missense changes on protein structure and function are either unavailable or do not agree on the potential impact of this missense change (SIFT: "Tolerated"; PolyPhen-2: "Possibly Damaging"; Align-GVGD: "Class C0"). In summary, the available evidence is currently insufficient to determine the role of this variant in disease. Therefore, it has been classified as a Variant of Uncertain Significance.

Natera, Inc.
Classification: Uncertain significance for Primary hyperoxaluria type I. Last evaluated: 2020-10-12. Review status: no assertion criteria provided. Collection method: clinical testing. Allele origin: germline. Not counted in ClinVar's aggregate classification.